The following is an entry in ClinVar:

ClinVar aggregate classification (germline): Likely benign (0 of 4 stars; one submission).

Conditions:
CLASP2-related disorder. Also called: CLASP2-related condition.

Allele frequency attached by ClinVar (database versions not stated): gnomAD 0.00001; gnomAD exomes 0.00002.
gnomAD v4.1: 27 of 1,610,692 alleles (0.0017%); highest among the groups gnomAD compares: Middle Eastern, 0.38%; 1 homozygote.

Submission:

PreventionGenetics, part of Exact Sciences
Classification: Likely benign for CLASP2-related condition. Last evaluated: 2019-04-26. Review status: no assertion criteria provided. Collection method: clinical testing. Allele origin: germline.
Comment: This variant is classified as likely benign based on ACMG/AMP sequence variant interpretation guidelines (Richards et al. 2015 PMID: 25741868, with internal and published modifications).

NM_001365631.1(CLASP2):c.4326T>C (p.Asp1442=)

Gene: CLASP2 (cytoplasmic linker associated protein 2; minus strand). Cytogenetic location: 3p22.3.
Variant type: single nucleotide variant.
Coding change: c.4326T>C on transcript NM_001365631.1 (MANE Select); coding-DNA position 4326, T replaced by C.
Protein change: p.Asp1442=; no amino-acid change (aspartic acid 1442 retained).
Molecular consequence: synonymous variant.
Genome position (GRCh38, 1-based): chr3:33,501,760, A>G on the plus strand (T>C on the coding strand, the complement: CLASP2 is on the minus strand). VCF-style: chr3-33501760-A-G. GRCh37 (hg19) VCF-style: chr3-33543252-A-G.
Other names: c.3690T>C, p.Asp1230= (NM_001207044.3, NM_001400424.1); c.4389T>C, p.Asp1463= (NM_001365627.1); c.4413T>C, p.Asp1471= (NM_001365628.1); c.4410T>C, p.Asp1470= (NM_001365629.1); c.4335T>C, p.Asp1445= (NM_001365630.1); c.4323T>C, p.Asp1441= (NM_001365632.1); c.4287T>C, p.Asp1429= (NM_001365633.1); c.4284T>C, p.Asp1428= (NM_001365634.1, NM_001375703.1); and 37 more.
Identifiers: ClinVar variation 3047500 (VCV003047500.2), dbSNP rs867925729, ClinGen allele CA72703316.